The following is an entry in ClinVar:

ClinVar aggregate classification (germline): Pathogenic/Likely pathogenic. Review status: criteria provided, multiple submitters, no conflicts (2 of 4 stars). 4 submissions from 4 submitters: Pathogenic (3); Likely pathogenic (1). Last evaluated 2025-02-25.

Conditions:
Inborn genetic diseases. Identifiers: MedGen C0950123, MeSH D030342.
Hajdu-Cheney syndrome (HJCYS). Also called: SERPENTINE FIBULA-POLYCYSTIC KIDNEY SYNDROME; ACROOSTEOLYSIS WITH OSTEOPOROSIS AND CHANGES IN SKULL AND MANDIBLE; Acroosteolysis dominant type. Identifiers: Orphanet 955, MedGen C0917715, MONDO:0007057, OMIM 102500.

gnomAD v4.1: 1 of 1,612,624 alleles (0.000062%); highest among the groups gnomAD compares: Admixed American, 0.0017%; no homozygotes.

Submissions (4):

GeneDx
Classification: Pathogenic. Last evaluated: 2025-02-25. Review status: criteria provided, single submitter. Criteria: GeneDx Variant Classification Process June 2021. Collection method: clinical testing. Allele origin: germline. Affected: yes.
Comment: Nonsense variant predicted to result in protein truncation, as the last 469 amino acids are lost, and other loss-of-function variants have been reported downstream; Not observed at significant frequency in large population cohorts (gnomAD); This variant is associated with the following publications: (PMID: 28454995, 34399559, 22488849, 22209762, 35567760, 39202394)

Ambry Genetics
Classification: Likely pathogenic for Inborn genetic diseases. Last evaluated: 2024-11-15. Review status: criteria provided, single submitter. Criteria: Ambry Variant Classification Scheme 2023. Collection method: clinical testing. Allele origin: germline.
Comment: The c.6007C>T (p.R2003*) alteration, located in exon 33 (coding exon 33) of the NOTCH2 gene, consists of a C to T substitution at nucleotide position 6007. This changes the amino acid from a arginine (R) to a stop codon at amino acid position 2003. This alteration occurs at the 3' terminus of the NOTCH2 gene and is not expected to trigger nonsense-mediated mRNA decay. for NOTCH2-related Alagille syndrome; however, its clinical significance for Hajdu-Cheney syndrome is uncertain This variant was not reported in population-based cohorts in the Genome Aggregation Database (gnomAD). This variant has been determined to be the result of a de novo mutation in one individual and heterozygous in multiple individuals with liver pruritis, cholestasis, cardiac anomalies, butterfly-like vertebrae, typical facial features, small for gestational age, and/or other clinical features consistent with Alagille syndrome (Kamath, 2012; Lin, 2012; Alfares, 2017; Li, 2022; Ferrandino, 2024). In an assay testing NOTCH2 function, this variant showed a functionally abnormal result (Kamath, 2012). Based on the available evidence, this alteration is classified as likely pathogenic.

Labcorp Genetics (formerly Invitae), Labcorp
Classification: Pathogenic for Hajdu-Cheney syndrome. Last evaluated: 2024-09-06. Review status: criteria provided, single submitter. Criteria: Invitae Variant Classification Sherloc (09022015). Collection method: clinical testing. Allele origin: germline.
Comment: This sequence change creates a premature translational stop signal (p.Arg2003*) in the NOTCH2 gene. While this is not anticipated to result in nonsense mediated decay, it is expected to disrupt the last 469 amino acid(s) of the NOTCH2 protein. This variant is not present in population databases (gnomAD no frequency). This premature translational stop signal has been observed in individual(s) with Alagille syndrome (PMID: 22209762). In at least one individual the variant was observed to be de novo. ClinVar contains an entry for this variant (Variation ID: 41266). Algorithms developed to predict the effect of variants on gene product structure and function are not available or were not evaluated for this variant. Experimental studies have shown that this premature translational stop signal affects NOTCH2 function (PMID: 22209762). For these reasons, this variant has been classified as Pathogenic.

Eurofins Ntd Llc (ga)
Classification: Pathogenic. Last evaluated: 2017-03-23. Review status: criteria provided, single submitter. Criteria: EGL Classification Definitions 2015. Collection method: clinical testing. Allele origin: germline. Observed: 2 variant alleles, 2 heterozygotes.

Literature cited by the submitters: PubMed 22209762 (cited by Ambry Genetics and Labcorp Genetics (formerly Invitae), Labcorp); PubMed 22488849 (cited by Ambry Genetics); PubMed 28454995 (cited by Ambry Genetics); PubMed 35567760 (cited by Ambry Genetics); PubMed 39202394 (cited by Ambry Genetics).

NM_024408.4(NOTCH2):c.6007C>T (p.Arg2003Ter)

Gene: NOTCH2 (notch receptor 2; minus strand). Cytogenetic location: 1p12.
Variant type: single nucleotide variant.
Coding change: c.6007C>T on transcript NM_024408.4 (MANE Select); coding-DNA position 6007, C replaced by T.
Protein change: p.Arg2003Ter; replaces arginine 2003 with a stop codon.
Molecular consequence: nonsense.
Genome position (GRCh38, 1-based): chr1:119,917,685, G>A on the plus strand (C>T on the coding strand, the complement: NOTCH2 is on the minus strand). VCF-style: chr1-119917685-G-A. GRCh37 (hg19) VCF-style: chr1-120460308-G-A.
Other names: c.6007C>T (NM_024408.3); short protein forms R2003*.
Identifiers: ClinVar variation 41266 (VCV000041266.10), dbSNP rs312262801, ClinGen allele CA344289.